The following is an entry in ClinVar:

ClinVar aggregate classification (germline): Uncertain significance (1 of 4 stars; one submission).

Allele frequency attached by ClinVar (database versions not stated): ExAC 0.00002; gnomAD exomes 0.00002; gnomAD 0.00006; TOPMed 0.00007.
gnomAD v4.1: 43 of 1,614,030 alleles (0.0027%); highest among the groups gnomAD compares: Admixed American, 0.012%; no homozygotes.

Submission:

Labcorp Genetics (formerly Invitae), Labcorp
Classification: Uncertain significance. Last evaluated: 2025-11-17. Review status: criteria provided, single submitter. Criteria: Invitae Variant Classification Sherloc (09022015). Collection method: clinical testing. Allele origin: germline.
Comment: This sequence change replaces phenylalanine, which is neutral and non-polar, with cysteine, which is neutral and slightly polar, at codon 154 of the IGSF10 protein (p.Phe154Cys). This variant is present in population databases (rs759119878, gnomAD 0.01%). This variant has not been reported in the literature in individuals affected with IGSF10-related conditions. ClinVar contains an entry for this variant (Variation ID: 2189943). An algorithm developed to predict the effect of missense changes on protein structure and function (PolyPhen-2) suggests that this variant is likely to be disruptive. In summary, the available evidence is currently insufficient to determine the role of this variant in disease. Therefore, it has been classified as a Variant of Uncertain Significance.

NM_178822.5(IGSF10):c.461T>G (p.Phe154Cys)

Gene: IGSF10 (immunoglobulin superfamily member 10; minus strand). Cytogenetic location: 3q25.1.
Variant type: single nucleotide variant.
Coding change: c.461T>G on transcript NM_178822.5 (MANE Select); coding-DNA position 461, T replaced by G.
Protein change: p.Phe154Cys; replaces phenylalanine 154 with cysteine.
Molecular consequence: missense variant.
Genome position (GRCh38, 1-based): chr3:151,453,638, A>C on the plus strand (T>G on the coding strand, the complement: IGSF10 is on the minus strand). VCF-style: chr3-151453638-A-C. GRCh37 (hg19) VCF-style: chr3-151171426-A-C.
Other names: c.461T>G, p.Phe154Cys (NM_001385060.1, NM_001385061.1, NM_001385062.1 and 1 more transcripts); short protein forms F154C.
Identifiers: ClinVar variation 2189943 (VCV002189943.4), dbSNP rs759119878, ClinGen allele CA2670752.